The following is an entry in ClinVar:

NM_000383.4(AIRE):c.706T>C (p.Phe236Leu)

Gene: AIRE (autoimmune regulator; plus strand). Cytogenetic location: 21q22.3.
Variant type: single nucleotide variant.
Coding change: c.706T>C on transcript NM_000383.4 (MANE Select); coding-DNA position 706, T replaced by C.
Protein change: p.Phe236Leu; replaces phenylalanine 236 with leucine.
Molecular consequence: missense variant.
Genome position (GRCh38, 1-based): chr21:44,289,710, T>C. VCF-style: chr21-44289710-T-C. GRCh37 (hg19) VCF-style: chr21-45709593-T-C.
Other names: short protein forms F236L.
Identifiers: ClinVar variation 3617263 (VCV003617263.2).

ClinVar aggregate classification (germline): Uncertain significance (1 of 4 stars; one submission).

Conditions:
Polyglandular autoimmune syndrome, type 1 (APS1). Also called: AUTOIMMUNE POLYENDOCRINE SYNDROME, TYPE I, WITH OR WITHOUT REVERSIBLE METAPHYSEAL DYSPLASIA; APS I; Autoimmune polyendocrine syndrome type 1; Autoimmune polyendocrinopathy syndrome, type I; Autoimmune polyendocrinopathy syndrome , type I, with or without reversible metaphyseal dysplasia; Whitaker syndrome. Identifiers: Orphanet 3453, MedGen C0085859, MONDO:0009411, OMIM 240300.

gnomAD v4.1: 1 of 1,612,768 alleles (0.000062%); highest among the groups gnomAD compares: Admixed American, 0.0017%; no homozygotes.

Submission:

Labcorp Genetics (formerly Invitae), Labcorp
Classification: Uncertain significance for Polyglandular autoimmune syndrome, type 1. Last evaluated: 2024-02-15. Review status: criteria provided, single submitter. Criteria: Invitae Variant Classification Sherloc (09022015). Collection method: clinical testing. Allele origin: germline.
Comment: This sequence change replaces phenylalanine, which is neutral and non-polar, with leucine, which is neutral and non-polar, at codon 236 of the AIRE protein (p.Phe236Leu). This variant is present in population databases (rs772104934, gnomAD 0.003%). This variant has not been reported in the literature in individuals affected with AIRE-related conditions. Advanced modeling of protein sequence and biophysical properties (such as structural, functional, and spatial information, amino acid conservation, physicochemical variation, residue mobility, and thermodynamic stability) performed at Invitae indicates that this missense variant is not expected to disrupt AIRE protein function with a negative predictive value of 95%. In summary, the available evidence is currently insufficient to determine the role of this variant in disease. Therefore, it has been classified as a Variant of Uncertain Significance.